The following is an entry in ClinVar:

ClinVar aggregate classification (germline): Uncertain significance (1 of 4 stars; one submission).

Conditions:
EZR-related disorder. Also called: EZR-related condition.

Submission:

PreventionGenetics, part of Exact Sciences
Classification: Uncertain significance for EZR-related condition. Last evaluated: 2022-11-11. Review status: criteria provided, single submitter. Criteria: ACMG Guidelines, 2015. Collection method: clinical testing. Allele origin: germline.
Comment: The EZR c.1639_1640delinsGA variant is predicted to result in an in-frame deletion and insertion. To our knowledge, this variant has not been reported in the literature or in a large population database, indicating this variant is rare. At this time, the clinical significance of this variant is uncertain due to the absence of conclusive functional and genetic evidence.

NM_001111077.2(EZR):c.1639_1640delinsGA (p.Arg547Glu)

Gene: EZR (ezrin; minus strand). Cytogenetic location: 6q25.3.
Variant type: Indel.
Coding change: c.1639_1640delinsGA on transcript NM_001111077.2 (MANE Select); coding-DNA positions 1639 to 1640, AG replaced by GA.
Protein change: p.Arg547Glu; replaces arginine 547 with glutamic acid.
Molecular consequence: missense variant.
Genome position (GRCh38, 1-based): chr6:158,767,035-158,767,036, CT replaced by TC on the plus strand (AG replaced by GA on the coding strand, the reverse complement: EZR is on the minus strand). VCF-style: chr6-158767035-CT-TC. GRCh37 (hg19) VCF-style: chr6-159188067-CT-TC.
Other names: c.1639_1640delinsGA, p.Arg547Glu (NM_003379.5); short protein forms R547E.
Identifiers: ClinVar variation 2635097 (VCV002635097.1), dbSNP rs2484473218, ClinGen allele CA2695198384.